The following is an entry in ClinVar:

NM_001005242.3(PKP2):c.2418C>T (p.His806=)

Gene: PKP2 (plakophilin 2; minus strand). Cytogenetic location: 12p11.21.
Variant type: single nucleotide variant.
Coding change: c.2418C>T on transcript NM_001005242.3 (MANE Select); coding-DNA position 2418, C replaced by T.
Protein change: p.His806=; no amino-acid change (histidine 806 retained).
Molecular consequence: synonymous variant.
Genome position (GRCh38, 1-based): chr12:32,792,671, G>A on the plus strand (C>T on the coding strand, the complement: PKP2 is on the minus strand). VCF-style: chr12-32792671-G-A. GRCh37 (hg19) VCF-style: chr12-32945605-G-A.
Other names: c.2550C>T, p.His850= (NM_004572.4).
Identifiers: ClinVar variation 1125608 (VCV001125608.12), dbSNP rs756749174, ClinGen allele CA035836.

ClinVar aggregate classification (germline): Likely benign. Review status: criteria provided, multiple submitters, no conflicts (2 of 4 stars). 3 submissions from 3 submitters: Likely benign (3). Last evaluated 2025-04-13.

Conditions:
Arrhythmogenic right ventricular cardiomyopathy (ARVD). Also called: Cardiomyopathy, ARVC; Arrhythmogenic right ventricular dysplasia; Arrhythmogenic cardiomyopathy; Arrhythmogenic Right Ventricular Cardiomyopathy (ARVC). Identifiers: Orphanet 247, MedGen C0349788, MeSH D019571, MONDO:0016587. Disease mechanism: loss of function. Inheritance: Various modes of inheritance.
Cardiovascular phenotype. Identifiers: MedGen CN230736.
Arrhythmogenic right ventricular dysplasia 9 (ARVD9). Also called: Arrhythmogenic Right Ventricular Dysplasia/Cardiomyopathy 9; ARRHYTHMOGENIC RIGHT VENTRICULAR DYSPLASIA, FAMILIAL, 9. Identifiers: MedGen C1836906, MONDO:0012180, OMIM 609040.

Allele frequency attached by ClinVar (database versions not stated): gnomAD exomes below 0.00001; ExAC 0.00001.
gnomAD v4.1: 4 of 1,614,038 alleles (0.00025%); highest among the groups gnomAD compares: Non-Finnish European, 0.00034%; no homozygotes.

Submissions (3):

Labcorp Genetics (formerly Invitae), Labcorp
Classification: Likely benign for Arrhythmogenic right ventricular dysplasia 9. Last evaluated: 2025-04-13. Review status: criteria provided, single submitter. Criteria: Invitae Variant Classification Sherloc (09022015). Collection method: clinical testing. Allele origin: germline.

All of Us Research Program, National Institutes of Health
Classification: Likely benign for Arrhythmogenic right ventricular cardiomyopathy. Last evaluated: 2023-12-01. Review status: criteria provided, single submitter. Criteria: ACMG Guidelines, 2015. Collection method: clinical testing. Allele origin: germline. Inheritance: Autosomal dominant inheritance. Observed: 2 variant alleles, 2 heterozygotes.
Comment: This study involves interpretation of variants in research participants for the purpose of population health screening. Participant phenotype was not available at the time of variant classification. Additional details can be found in publication PMID: 35346344, PMCID: PMC8962531

Ambry Genetics
Classification: Likely benign for Cardiovascular phenotype. Last evaluated: 2022-10-14. Review status: criteria provided, single submitter. Criteria: Ambry Variant Classification Scheme 2023. Collection method: clinical testing. Allele origin: germline.